The following is an entry in ClinVar:

NM_021871.4(FGA):c.1130G>A (p.Ser377Asn)

Gene: FGA (fibrinogen alpha chain; minus strand). Cytogenetic location: 4q31.3.
Variant type: single nucleotide variant.
Coding change: c.1130G>A on transcript NM_021871.4 (MANE Select); coding-DNA position 1130, G replaced by A.
Protein change: p.Ser377Asn; replaces serine 377 with asparagine.
Molecular consequence: missense variant.
Genome position (GRCh38, 1-based): chr4:154,586,299, C>T on the plus strand (G>A on the coding strand, the complement: FGA is on the minus strand). VCF-style: chr4-154586299-C-T. GRCh37 (hg19) VCF-style: chr4-155507451-C-T.
Other names: c.1130G>A, p.Ser377Asn (NM_000508.5); short protein forms S377N.
Identifiers: ClinVar variation 3896228 (VCV003896228.2).
Genomic context (GRCh38, chr4:154,586,299, plus strand): 5'-CTATCTGGCCTAAAACTTCCAGATTCAGAGTGCCATTGTCCAGTACTACCAGATACAGAG[C>T]TCTCAGAGGTCCAGTGCCCAGCACTTCCGCGTTCAGAGCTGCCAGGATTCCAGGTTCCGG-3'
Protein context (NP_068657.1, residues 367-387): RGSAGHWTSE[Ser377Asn]SVSGSTGQWH

ClinVar aggregate classification (germline): Uncertain significance (1 of 4 stars; one submission).

gnomAD v4.1: 2 of 1,614,208 alleles (0.00012%); highest among the groups gnomAD compares: Non-Finnish European, 0.00017%; no homozygotes.

Submission:

Women's Health and Genetics/Laboratory Corporation of America, LabCorp
Classification: Uncertain significance. Last evaluated: 2025-04-16. Review status: criteria provided, single submitter. Criteria: LabCorp Variant Classification Summary - May 2015. Collection method: clinical testing. Allele origin: germline.
Comment: Variant summary: FGA c.1130G>A (p.Ser377Asn) results in a conservative amino acid change in the encoded protein sequence. Five of five in-silico tools predict a benign effect of the variant on protein function. The variant allele was found at a frequency of 4e-06 in 250926 control chromosomes. The available data on variant occurrences in the general population are insufficient to allow any conclusion about variant significance. To our knowledge, no occurrence of c.1130G>A in individuals affected with Dysfibrinogenemia, Congenital and no experimental evidence demonstrating its impact on protein function have been reported. No submitters have cited clinical-significance assessments for this variant to ClinVar. Based on the evidence outlined above, the variant was classified as uncertain significance.